The following is an entry in ClinVar:

NM_001875.5(CPS1):c.3230_3231insACTGTCTCTTATA (p.Thr1078fs)

Gene: CPS1 (carbamoyl-phosphate synthase 1; plus strand). Cytogenetic location: 2q34.
Variant type: Insertion.
Coding change: c.3230_3231insACTGTCTCTTATA on transcript NM_001875.5 (MANE Select); coding-DNA positions 3230 to 3231, ACTGTCTCTTATA inserted.
Protein change: p.Thr1078fs; shifts the reading frame from threonine 1078.
Molecular consequence: frameshift variant. On other transcripts: non-coding transcript variant (2).
Genome position: GRCh38 VCF-style: chr2-210647951-G-GACTGTCTCTTATA. GRCh37 (hg19) VCF-style: chr2-211512675-G-GACTGTCTCTTATA.
Other names: c.3230_3231insACTGTCTCTTATA, p.Thr1078fs (NM_001122633.3, NM_001369257.1); c.3263_3264insACTGTCTCTTATA, p.Thr1089fs (NM_001369256.1); short protein forms T1078fs, T1089fs.
Identifiers: ClinVar variation 5011428 (VCV005011428.1).
Genomic context (GRCh38, chr2:210,647,951, plus strand): 5'-GAGGCCAGATTCCAAACAACCTGGCAGTTCCTCTATACAAGAATGGTGTCAAGATCATGG[G>GACTGTCTCTTATA]CACAAGCCCCCTGCAGATCGACAGGGCTGAGGATCGCTCCATCTTCTCAGCTGTCTTGGA-3'

ClinVar aggregate classification (germline): Pathogenic (1 of 4 stars; one submission).

Conditions:
Congenital hyperammonemia, type I. Also called: CPS I DEFICIENCY; Carbamoyl phosphate synthetase 1 deficiency; Hyperammonemia due to carbamoyl phosphate synthetase 1 deficiency; CPS 1 deficiency; Carbamyl phosphate synthetase (CPS) deficiency; Carbamoyl phosphate synthetase I deficiency disease. Identifiers: Orphanet 147, MedGen C4082171, MONDO:0009376, OMIM 237300.

Submission:

Myriad Genetics, Inc.
Classification: Pathogenic for Congenital hyperammonemia, type I. Last evaluated: 2023-08-21. Review status: criteria provided, single submitter. Criteria: Myriad Autosomal Dominant, Autosomal Recessive and X-Linked Classification Criteria (2023). Collection method: clinical testing. Allele origin: unknown.
Comment: NM_001875.4(CPS1):c.3230_3231ins13(T1078Lfs*14) is expected to be pathogenic in the context of carbamoylphosphate synthetase I deficiency. This variant is predicted to lead to an abnormal or absent protein product due to the creation of a premature termination codon in CPS1, a gene where loss-of-function variants are known to be pathogenic. Please note: this variant was assessed in the context of healthy population screening.